The following is an entry in ClinVar:

NM_001283009.2(RTEL1):c.2872C>T (p.Pro958Ser)

Genes: RTEL1 (regulator of telomere elongation helicase 1; plus strand), RTEL1-TNFRSF6B (RTEL1-TNFRSF6B readthrough (NMD candidate); plus strand). Cytogenetic location: 20q13.33.
Variant type: single nucleotide variant.
Coding change: c.2872C>T on transcript NM_001283009.2 (MANE Select); coding-DNA position 2872, C replaced by T.
Protein change: p.Pro958Ser; replaces proline 958 with serine.
Molecular consequence: missense variant. On other transcripts: non-coding transcript variant (1).
Genome position (GRCh38, 1-based): chr20:63,693,163, C>T. VCF-style: chr20-63693163-C-T. GRCh37 (hg19) VCF-style: chr20-62324516-C-T.
Other names: c.2203C>T, p.Pro735Ser (NM_001283010.1); c.2872C>T, p.Pro958Ser (NM_016434.4); c.2944C>T, p.Pro982Ser (NM_032957.5); short protein forms P958S, P735S, P982S.
Identifiers: ClinVar variation 4629638 (VCV004629638.1).

ClinVar aggregate classification (germline): Uncertain significance (1 of 4 stars; one submission).

Conditions:
Inborn genetic diseases. Identifiers: MedGen C0950123, MeSH D030342.

gnomAD v4.1: 1 of 1,612,202 alleles (0.000062%); highest among the groups gnomAD compares: Non-Finnish European, 0.000085%; no homozygotes.

Submission:

Ambry Genetics
Classification: Uncertain significance for Inborn genetic diseases. Last evaluated: 2025-12-07. Review status: criteria provided, single submitter. Criteria: Ambry Variant Classification Scheme 2023. Collection method: clinical testing. Allele origin: germline.
Comment: The p.P958S variant (also known as c.2872C>T), located in coding exon 29 of the RTEL1 gene, results from a C to T substitution at nucleotide position 2872. The proline at codon 958 is replaced by serine, an amino acid with similar properties. This amino acid position is conserved. In addition, this alteration is predicted to be tolerated by in silico analysis. Based on the available evidence, the clinical significance of this variant remains unclear.